The following is an entry in ClinVar:

NM_007294.4(BRCA1):c.398G>T (p.Arg133Leu)

Gene: BRCA1 (BRCA1 DNA repair associated; minus strand). Cytogenetic location: 17q21.31.
Variant type: single nucleotide variant.
Coding change: c.398G>T on transcript NM_007294.4 (MANE Select); coding-DNA position 398, G replaced by T.
Protein change: p.Arg133Leu; replaces arginine 133 with leucine.
Molecular consequence: missense variant. On other transcripts: non-coding transcript variant (1).
Genome position (GRCh38, 1-based): chr17:43,104,165, C>A on the plus strand (G>T on the coding strand, the complement: BRCA1 is on the minus strand). VCF-style: chr17-43104165-C-A. GRCh37 (hg19) VCF-style: chr17-41256182-C-A.
Other names: c.188G>T, p.Arg63Leu (NM_001407571.1, NM_001407853.1, NM_001407879.1 and 58 more transcripts); c.398G>T, p.Arg133Leu (NM_001407581.1, NM_001407582.1, NM_001407583.1 and 165 more transcripts); c.389G>T, p.Arg130Leu (NM_001407646.1, NM_001407647.1, NM_001408408.1); c.320G>T, p.Arg107Leu (NM_001407653.1, NM_001407654.1, NM_001407655.1 and 21 more transcripts); c.257G>T, p.Arg86Leu (NM_001407692.1, NM_001407694.1, NM_001407695.1 and 99 more transcripts); c.17G>T, p.Arg6Leu (NM_001407959.1, NM_001407960.1, NM_001407962.1 and 4 more transcripts); c.266G>T, p.Arg89Leu (NM_001408451.1); short protein forms R133L, R86L, R6L, R89L, R107L, R130L, R63L.
Identifiers: ClinVar variation 658804 (VCV000658804.10), dbSNP rs80357357, ClinGen allele CA10601347.

ClinVar aggregate classification (germline): Uncertain significance (1 of 4 stars; one submission).

Conditions:
Hereditary breast ovarian cancer syndrome. Also called: BRCA1- and BRCA2-Associated Hereditary Breast and Ovarian Cancer; Hereditary breast and ovarian cancer syndrome; Hereditary breast and ovarian cancer syndrome (HBOC); Hereditary breast and/or ovarian cancer syndrome; Breast and ovarian cancer; Hereditary breast and ovarian cancer. Identifiers: Orphanet 145, MedGen C0677776, MeSH D061325, MONDO:0003582. Disease mechanism: loss of function.

Submission:

Labcorp Genetics (formerly Invitae), Labcorp
Classification: Uncertain significance for Hereditary breast ovarian cancer syndrome. Last evaluated: 2020-08-20. Review status: criteria provided, single submitter. Criteria: Invitae Variant Classification Sherloc (09022015). Collection method: clinical testing. Allele origin: germline.
Comment: This sequence change replaces arginine with leucine at codon 133 of the BRCA1 protein (p.Arg133Leu). The arginine residue is highly conserved and there is a moderate physicochemical difference between arginine and leucine. This variant is not present in population databases (ExAC no frequency). This variant has not been reported in the literature in individuals with BRCA1-related conditions. ClinVar contains an entry for this variant (Variation ID: 658804). Algorithms developed to predict the effect of missense changes on protein structure and function are either unavailable or do not agree on the potential impact of this missense change (SIFT: "Deleterious"; PolyPhen-2: "Possibly Damaging"; Align-GVGD: "Class C0"). In summary, the available evidence is currently insufficient to determine the role of this variant in disease. Therefore, it has been classified as a Variant of Uncertain Significance.